The following is an entry in ClinVar:

ClinVar aggregate classification (germline): Uncertain significance. Review status: criteria provided, multiple submitters, no conflicts (2 of 4 stars). 2 submissions from 2 submitters: Uncertain significance (2). Last evaluated 2025-03-20.

Conditions:
Hereditary cancer-predisposing syndrome. Also called: Neoplastic Syndromes, Hereditary; Tumor predisposition; Hereditary Cancer Syndrome; Hereditary neoplastic syndrome. Identifiers: Orphanet 140162, MedGen C0027672, MeSH D009386, MONDO:0015356.
Gorlin syndrome. Also called: Nevoid Basal Cell Carcinoma Syndrome; Basal cell nevus syndrome. Identifiers: Orphanet 377, MedGen C0004779, MONDO:0007187.
Medulloblastoma (MDB). Also called: Medulloblastoma, somatic; MEDULLOBLASTOMA PREDISPOSITION SYNDROME. Identifiers: Orphanet 616, MedGen C0025149, MeSH D008527, MONDO:0007959, OMIM 155255, HP:0002885.

Submissions (2):

Ambry Genetics
Classification: Uncertain significance for Hereditary cancer-predisposing syndrome. Last evaluated: 2025-03-20. Review status: criteria provided, single submitter. Criteria: Ambry Variant Classification Scheme 2023. Collection method: clinical testing. Allele origin: germline.
Comment: The p.R313G variant (also known as c.937A>G), located in coding exon 8 of the SUFU gene, results from an A to G substitution at nucleotide position 937. The arginine at codon 313 is replaced by glycine, an amino acid with dissimilar properties. This amino acid position is conserved. In addition, the in silico prediction for this alteration is inconclusive. Based on the available evidence, the clinical significance of this variant remains unclear.

Labcorp Genetics (formerly Invitae), Labcorp
Classification: Uncertain significance for Gorlin syndrome; Medulloblastoma. Last evaluated: 2024-08-11. Review status: criteria provided, single submitter. Criteria: Invitae Variant Classification Sherloc (09022015). Collection method: clinical testing. Allele origin: germline.
Comment: This sequence change replaces arginine, which is basic and polar, with glycine, which is neutral and non-polar, at codon 313 of the SUFU protein (p.Arg313Gly). This variant is not present in population databases (gnomAD no frequency). This variant has not been reported in the literature in individuals affected with SUFU-related conditions. Advanced modeling of protein sequence and biophysical properties (such as structural, functional, and spatial information, amino acid conservation, physicochemical variation, residue mobility, and thermodynamic stability) performed at Invitae indicates that this missense variant is not expected to disrupt SUFU protein function with a negative predictive value of 80%. In summary, the available evidence is currently insufficient to determine the role of this variant in disease. Therefore, it has been classified as a Variant of Uncertain Significance.

NM_016169.4(SUFU):c.937A>G (p.Arg313Gly)

Gene: SUFU (SUFU negative regulator of hedgehog signaling; plus strand). Cytogenetic location: 10q24.32.
Variant type: single nucleotide variant.
Coding change: c.937A>G on transcript NM_016169.4 (MANE Select); coding-DNA position 937, A replaced by G.
Protein change: p.Arg313Gly; replaces arginine 313 with glycine.
Molecular consequence: missense variant.
Genome position (GRCh38, 1-based): chr10:102,599,459, A>G. VCF-style: chr10-102599459-A-G. GRCh37 (hg19) VCF-style: chr10-104359216-A-G.
Other names: c.937A>G, p.Arg313Gly (NM_001178133.2); short protein forms R313G.
Identifiers: ClinVar variation 3757612 (VCV003757612.3).